The following is an entry in ClinVar:

NM_006904.7(PRKDC):c.5750+2_5750+5del

Gene: PRKDC (protein kinase, DNA-activated, catalytic subunit; minus strand). Cytogenetic location: 8q11.21.
Variant type: Microsatellite.
Coding change: c.5750+2_5750+5del on transcript NM_006904.7 (MANE Select); the canonical splice donor site of the intron after coding-DNA position 5750 through 5 bases into the intron after coding-DNA position 5750, 4 bases deleted (TAAG; older notation c.5750+2_5750+5delTAAG).
Molecular consequence: splice donor variant.
Genome position (GRCh38, 1-based): chr8:47,863,394-47,863,397, CTTA deleted on the plus strand (TAAG on the coding strand, the reverse complement: PRKDC is on the minus strand); deleting any 4 consecutive bases within chr8:47,863,394-47,863,401 gives the same sequence; the c. name uses the placement nearest the transcript's 3' end. VCF-style (leftmost placement, unchanged base first): chr8-47863393-TCTTA-T. GRCh37 (hg19) VCF-style: chr8-48775954-TCTTA-T.
Other names: c.5750+2_5750+5del (NM_001081640.2).
Identifiers: ClinVar variation 1301362 (VCV001301362.1), dbSNP rs2154500742, ClinGen allele CA2580614356.
Genomic context (GRCh38, chr8:47,863,393, plus strand): 5'-CATAAAAATATATGTACCCAAAGCATTGATAAATAAAATAGAATCCAAAATTAAGTAAAA[TCTTA>T]CTTAATCAATGTCTTTGTAAGTTCATTTCCTTCTGTAATACACGAGCCATGGAAAACTTG-3'

ClinVar aggregate classification (germline): Uncertain significance (1 of 4 stars; one submission).

Submission:

Women's Health and Genetics/Laboratory Corporation of America, LabCorp
Classification: Uncertain significance. Last evaluated: 2021-09-23. Review status: criteria provided, single submitter. Criteria: LabCorp Variant Classification Summary - May 2015. Collection method: clinical testing. Allele origin: germline.
Comment: Variant summary: PRKDC c.5747+2_5747+5delTAAG (Refseq c.5750+2_5750+5delTAAG) is located in a canonical splice-site and is predicted to affect mRNA splicing resulting in a significantly altered protein due to either exon skipping, shortening, or inclusion of intronic material. Computational tools predict a significant impact on normal splicing: two predict the variant abolishes a 5' splicing donor site. However, these predictions have yet to be confirmed by functional studies. The variant was absent in 236664 control chromosomes (gnomAD). The available data on variant occurrences in the general population are insufficient to allow any conclusion about variant significance. To our knowledge, no occurrence of c.5747+2_5747+5delTAAG in individuals affected with Severe Combined Immunodeficiency Syndrome and no experimental evidence demonstrating its impact on protein function have been reported. Though the variant is predicted to alter mRNA splicing, resulting in a frame-shift at the protein level, current evidence (based on review of the literature and databases) is not sufficient to establish whether loss-of-function variants in PRKDC are associated with disease. No clinical diagnostic laboratories have submitted clinical-significance assessments for this variant to ClinVar after 2014. Based on the evidence outlined above, the variant was classified as uncertain significance.